The following is an entry in ClinVar:

NM_000443.4(ABCB4):c.3760G>A (p.Gly1254Ser)

Gene: ABCB4 (ATP binding cassette subfamily B member 4; minus strand). Cytogenetic location: 7q21.12.
Variant type: single nucleotide variant.
Coding change: c.3760G>A on transcript NM_000443.4 (MANE Select); coding-DNA position 3760, G replaced by A.
Protein change: p.Gly1254Ser; replaces glycine 1254 with serine.
Molecular consequence: missense variant.
Genome position (GRCh38, 1-based): chr7:87,402,176, C>T on the plus strand (G>A on the coding strand, the complement: ABCB4 is on the minus strand). VCF-style: chr7-87402176-C-T. GRCh37 (hg19) VCF-style: chr7-87031492-C-T.
Other names: c.3781G>A, p.Gly1261Ser (NM_018849.3); c.3619G>A, p.Gly1207Ser (NM_018850.3); c.3760G>A (NM_000443.3); short protein forms G1207S, G1254S, G1261S.
Identifiers: ClinVar variation 4846461 (VCV004846461.2).

ClinVar aggregate classification (germline): Uncertain significance. Review status: criteria provided, multiple submitters, no conflicts (2 of 4 stars). 2 submissions from 2 submitters: Uncertain significance (2). Last evaluated 2026-04-14.

Conditions:
ABCB4-related disorder. Also called: ABCB4-related disorders; ABCB4-related condition.
Familial intrahepatic cholestasis. Identifiers: Orphanet 284385, MedGen CN296401, MONDO:0017290.

gnomAD v4.1: 27 of 1,613,984 alleles (0.0017%); highest among the groups gnomAD compares: South Asian, 0.027%; 1 homozygote.

Submissions (2):

Genomenon, Inc
Classification: Uncertain significance for Familial intrahepatic cholestasis. Last evaluated: 2026-04-14. Review status: criteria provided, single submitter. Criteria: Genomenon Sequence Variant Interpretation Standards - Updated. Collection method: curation. Allele origin: germline. Affected: yes.
Comment: ABCB4 p.Gly1254Ser (c.3760G>A) is a missense variant that changes the amino acid at residue 1254 from Glycine to Serine. This variant has been observed in at least one proband with an ABCB4-related disorder (PMID:37208429;29992621). It is absent or not present at a significant frequency in gnomAD. In silico models predict that this variant is possibly or probably damaging. In conclusion, we classify ABCB4 p.Gly1254Ser (c.3760G>A) as a variant of uncertain significance.

PreventionGenetics, part of Exact Sciences
Classification: Uncertain significance for ABCB4-related condition. Last evaluated: 2025-12-02. Review status: criteria provided, single submitter. Criteria: ACMG Guidelines, 2015. Collection method: clinical testing. Allele origin: germline.
Comment: The ABCB4 c.3760G>A variant is predicted to result in the amino acid substitution p.Gly1254Ser. This variant can also be designated c.3781G>A (p.Gly1261Ser) using transcript NM_018849.2. This variant has been reported in the heterozygous or homozygous state in individuals with intrahepatic cholestasis of pregnancy (Yeap et al. 2019. PubMed ID: 29992621; Zöllner et al. 2023. PubMed ID: 37208429) and in the homozygous state in an adult with acute recurrent liver dysfunction (Table S1 in Nayagam et al. 2022. PubMed ID: 35894240). This variant is reported in 0.029% of alleles in individuals of South Asian descent in gnomAD including one homozygote. At this time, the clinical significance of this variant is uncertain due to the absence of conclusive functional and genetic evidence.

Literature cited by the submitters: PubMed 37208429 (cited by Genomenon, Inc); PubMed 29992621 (cited by Genomenon, Inc).